The following is an entry in ClinVar:

ClinVar aggregate classification (germline): Uncertain significance (1 of 4 stars; one submission).

Conditions:
MGAT2-congenital disorder of glycosylation. Also called: Congenital disorder of glycosylation, type IIa; MGAT2-CDG; MENTAL RETARDATION, GROWTH RETARDATION, PROMINENT COLUMELLA, AND OPEN MOUTH; Alkuraya syndrome; CDG IIa. Identifiers: Orphanet 79329, MedGen C2931008, MONDO:0008908, OMIM 212066.

Allele frequency attached by ClinVar (database versions not stated): gnomAD 0.00001; TOPMed 0.00001; gnomAD exomes 0.00002; ExAC 0.00003; ESP Exome Variant Server 0.00008.

Submission:

Labcorp Genetics (formerly Invitae), Labcorp
Classification: Uncertain significance for MGAT2-congenital disorder of glycosylation. Last evaluated: 2020-09-25. Review status: criteria provided, single submitter. Criteria: Invitae Variant Classification Sherloc (09022015). Collection method: clinical testing. Allele origin: germline.
Comment: This sequence change replaces asparagine with serine at codon 69 of the MGAT2 protein (p.Asn69Ser). The asparagine residue is highly conserved and there is a small physicochemical difference between asparagine and serine. This variant is present in population databases (rs376612891, ExAC 0.02%). This variant has not been reported in the literature in individuals with MGAT2-related conditions. Algorithms developed to predict the effect of missense changes on protein structure and function are either unavailable or do not agree on the potential impact of this missense change (SIFT: "Tolerated"; PolyPhen-2: "Possibly Damaging"; Align-GVGD: "Class C0"). In summary, the available evidence is currently insufficient to determine the role of this variant in disease. Therefore, it has been classified as a Variant of Uncertain Significance.

NM_002408.4(MGAT2):c.206A>G (p.Asn69Ser)

Gene: MGAT2 (alpha-1,6-mannosyl-glycoprotein 2-beta-N-acetylglucosaminyltransferase; plus strand). Cytogenetic location: 14q21.3.
Variant type: single nucleotide variant.
Coding change: c.206A>G on transcript NM_002408.4 (MANE Select); coding-DNA position 206, A replaced by G.
Protein change: p.Asn69Ser; replaces asparagine 69 with serine.
Molecular consequence: missense variant.
Genome position (GRCh38, 1-based): chr14:49,621,474, A>G. VCF-style: chr14-49621474-A-G. GRCh37 (hg19) VCF-style: chr14-50088192-A-G.
Other names: short protein forms N69S.
Identifiers: ClinVar variation 1017445 (VCV001017445.8), dbSNP rs376612891, ClinGen allele CA7172489.